The following is an entry in ClinVar:

NM_003742.4(ABCB11):c.721C>T (p.Leu241=)

Gene: ABCB11 (ATP binding cassette subfamily B member 11; minus strand). Cytogenetic location: 2q31.1.
Variant type: single nucleotide variant.
Coding change: c.721C>T on transcript NM_003742.4 (MANE Select); coding-DNA position 721, C replaced by T.
Protein change: p.Leu241=; no amino-acid change (leucine 241 retained).
Molecular consequence: synonymous variant.
Genome position (GRCh38, 1-based): chr2:168,993,773, G>A on the plus strand (C>T on the coding strand, the complement: ABCB11 is on the minus strand). VCF-style: chr2-168993773-G-A. GRCh37 (hg19) VCF-style: chr2-169850283-G-A.
Other names: NM_003742.4(ABCB11):c.721C>T; p.Leu241=.
Identifiers: ClinVar variation 2687834 (VCV002687834.2), dbSNP rs2545450310, ClinGen allele CA429917255.

ClinVar aggregate classification (germline): Conflicting classifications of pathogenicity. Review status: criteria provided, conflicting classifications (1 of 4 stars). 2 submissions from 2 submitters: Pathogenic (1); Uncertain significance (1). Last evaluated 2025-01-30.

Conditions:
Progressive familial intrahepatic cholestasis type 2. Identifiers: Orphanet 79304, MedGen C3489789, MONDO:0011156, OMIM 601847.

Allele frequency attached by ClinVar (database versions not stated): gnomAD exomes below 0.00001.

Submissions (2):

Broad Center for Mendelian Genomics, Broad Institute of MIT and Harvard
Classification: Uncertain significance for Progressive familial intrahepatic cholestasis type 2. Last evaluated: 2025-01-30. Review status: criteria provided, single submitter. Criteria: ACMG Guidelines, 2015. Collection method: curation. Allele origin: germline. Inheritance: Autosomal recessive inheritance.
Comment: The p.Leu241= variant in ABCB11 has not been previously reported in the literature in individuals with BSEP deficiency, and has been identified in 0.00009% (1/1178356) of European (non-Finnish) chromosomes by the Genome Aggregation Database (gnomAD). Although this variant has been seen in the general population in a heterozygous state, its frequency is low enough to be consistent with a recessive carrier frequency. This variant has also been reported in ClinVar (Variation ID: 2687834) and has been interpreted as pathogenic by Rolfs Rare Disease Consulting (Rolfs Consulting Und Verwaltungs GmbH). Computational prediction tools and conservation analyses do not provide strong support for or against an impact to the protein. In summary, the clinical significance of the p.Leu241= variant is uncertain. ACMG/AMP Criteria applied: PM2_supporting (Richards 2015).

Rolfs Rare Disease Consulting, Rolfs Consulting Und Verwaltungs GmbH
Classification: Pathogenic for Progressive familial intrahepatic cholestasis type 2. Last evaluated: 2022-01-01. Review status: criteria provided, single submitter. Criteria: ACMG Guidelines, 2015. Collection method: clinical testing. Allele origin: germline. Affected: yes.